The following is an entry in ClinVar:

ClinVar aggregate classification (germline): Uncertain significance. Review status: criteria provided, multiple submitters, no conflicts (2 of 4 stars). 3 submissions from 3 submitters: Uncertain significance (3). Last evaluated 2025-05-27.

Conditions:
Inborn genetic diseases. Identifiers: MedGen C0950123, MeSH D030342.

gnomAD v4.1: 70 of 1,604,554 alleles (0.0044%); highest among the groups gnomAD compares: Non-Finnish European, 0.0059%; no homozygotes.

Submissions (3):

GeneDx
Classification: Uncertain significance. Last evaluated: 2025-05-27. Review status: criteria provided, single submitter. Criteria: GeneDx Variant Classification Process June 2021. Collection method: clinical testing. Allele origin: germline. Affected: yes.
Comment: In silico analysis supports that this missense variant has a deleterious effect on protein structure/function; Has not been previously published as pathogenic or benign to our knowledge

Ambry Genetics
Classification: Uncertain significance for Inborn genetic diseases. Last evaluated: 2024-11-24. Review status: criteria provided, single submitter. Criteria: Ambry Variant Classification Scheme 2023. Collection method: clinical testing. Allele origin: germline.

Blueprint Genetics
Classification: Uncertain significance. Last evaluated: 2024-04-08. Review status: criteria provided, single submitter. Criteria: ACMG Guidelines, 2015. Collection method: clinical testing. Allele origin: germline.

NM_014822.4(SEC24D):c.1417C>T (p.Pro473Ser)

Gene: SEC24D (SEC24 homolog D, COPII component; minus strand). Cytogenetic location: 4q26.
Variant type: single nucleotide variant.
Coding change: c.1417C>T on transcript NM_014822.4 (MANE Select); coding-DNA position 1417, C replaced by T.
Protein change: p.Pro473Ser; replaces proline 473 with serine.
Molecular consequence: missense variant.
Genome position (GRCh38, 1-based): chr4:118,757,725, G>A on the plus strand (C>T on the coding strand, the complement: SEC24D is on the minus strand). VCF-style: chr4-118757725-G-A. GRCh37 (hg19) VCF-style: chr4-119678880-G-A.
Other names: c.1420C>T, p.Pro474Ser (NM_001318066.2); c.1417C>T (NM_014822.3); short protein forms P473S, P474S.
Identifiers: ClinVar variation 3439184 (VCV003439184.3).